The following is an entry in ClinVar:

NM_004369.4(COL6A3):c.1016G>C (p.Gly339Ala)

Gene: COL6A3 (collagen type VI alpha 3 chain; minus strand). Cytogenetic location: 2q37.3.
Variant type: single nucleotide variant.
Coding change: c.1016G>C on transcript NM_004369.4 (MANE Select); coding-DNA position 1016, G replaced by C.
Protein change: p.Gly339Ala; replaces glycine 339 with alanine.
Molecular consequence: missense variant. On other transcripts: intron variant (2).
Genome position (GRCh38, 1-based): chr2:237,387,878, C>G on the plus strand (G>C on the coding strand, the complement: COL6A3 is on the minus strand). VCF-style: chr2-237387878-C-G. GRCh37 (hg19) VCF-style: chr2-238296521-C-G.
Other names: c.398G>C, p.Gly133Ala (NM_057165.5, NM_057167.4); c.92-6379G>C (NM_057166.5, NM_057164.5); short protein forms G133A, G339A.
Identifiers: ClinVar variation 3377361 (VCV003377361.1).

ClinVar aggregate classification (germline): Uncertain significance (1 of 4 stars; one submission).

Conditions:
Bethlem myopathy 1A. Also called: MYOPATHY, BENIGN CONGENITAL, WITH CONTRACTURES; Bethlem Muscular Dystrophy; Bethlem myopathy 1. Identifiers: Orphanet 610, MedGen CN029274, MONDO:0024530, OMIM 158810.

Submission:

Victorian Clinical Genetics Services, Murdoch Childrens Research Institute
Classification: Uncertain significance for Bethlem myopathy 1A. Last evaluated: 2022-02-02. Review status: criteria provided, single submitter. Criteria: ACMG Guidelines, 2015. Collection method: clinical testing. Allele origin: germline. Affected: yes.
Comment: Based on the classification scheme VCGS_Germline_v1.3.4, this variant is classified as VUS-3B. Following criteria are met: 0103 - Dominant negative and loss of function are known mechanisms of disease in this gene. Dominant negative is associated with autosomal dominant disease due to missense variants affecting a glycine residue within a Gly-X-Y triple helical repeat while loss of function is associated with recessive disease due to other missense and protein-truncating variants (OMIM, PMID: 20301676). (I) 0108 - This gene is associated with both recessive and dominant disease. This gene is associated with autosomal recessive dystonia 27 (MIM#616411) and autosomal recessive and dominant Bethlem myopathy 1 (MIM#158810) and Ullrich congenital muscular dystrophy 1 (MIM#254090) (OMIM). (I) 0200 - Variant is predicted to result in a missense amino acid change from glycine to alanine. (I) 0251 - This variant is heterozygous. (I) 0301 - Variant is absent from gnomAD (both v2 and v3). (SP) 0309 - An alternative amino acid change at the same position has been observed in gnomAD (v2) (1 heterozygote, 0 homozygotes). (I) 0501 - Missense variant consistently predicted to be damaging by multiple in silico tools or highly conserved with a major amino acid change. (SP) 0600 - Variant is located in the annotated Von Willebrand factor type A (vWA) domain within the non-helical region (UniProt, NCBI conserved domain). (I) 0705 - No comparable missense variants have previous evidence for pathogenicity. (I) 0807 - This variant has no previous evidence of pathogenicity. (I) 0905 - No published segregation evidence has been identified for this variant. (I) 1007 - No published functional evidence has been identified for this variant. (I) Legend: (SP) - Supporting pathogenic, (I) - Information, (SB) - Supporting benign

Literature cited by the submitters: PubMed 20301676.